The following is an entry in ClinVar:

ClinVar aggregate classification (germline): Benign. Review status: criteria provided, multiple submitters, no conflicts (2 of 4 stars). 7 submissions from 7 submitters: Benign (7). Last evaluated 2026-02-04.

Conditions:
Maple syrup urine disease (MSUD). Identifiers: Orphanet 511, MedGen C0024776, MeSH D008375, MONDO:0009563. Disease mechanism: loss of function.

Allele frequency attached by ClinVar (database versions not stated): ESP Exome Variant Server 0.15571; TOPMed 0.29760; gnomAD 0.31080 and 0.31274; gnomAD exomes 0.34051; ExAC 0.35860.
gnomAD v4.1: 479,811 of 1,423,572 alleles (34%); highest among the groups gnomAD compares: Admixed American, 37%; 33,437 homozygotes.

Submissions (9):

Labcorp Genetics (formerly Invitae), Labcorp
Classification: Benign for Maple syrup urine disease. Last evaluated: 2026-02-04. Review status: criteria provided, single submitter. Criteria: Invitae Variant Classification Sherloc (09022015). Collection method: clinical testing. Allele origin: germline.

Mayo Clinic Laboratories, Mayo Clinic
Classification: Benign. Last evaluated: 2025-06-23. Review status: criteria provided, single submitter. Criteria: ACMG Guidelines, 2015. Collection method: clinical testing. Allele origin: germline. Observed: 15 variant alleles.

Genome-Nilou Lab
Classification: Benign for Maple syrup urine disease type 1A. Last evaluated: 2023-04-11. Review status: criteria provided, single submitter. Criteria: ACMG Guidelines, 2015. Collection method: clinical testing. Allele origin: germline. Affected: no.

Illumina Laboratory Services, Illumina
Classification: Benign for Maple syrup urine disease type 1A. Last evaluated: 2018-01-13. Review status: criteria provided, single submitter. Criteria: ICSL Variant Classification Criteria 13 December 2019. Collection method: clinical testing. Allele origin: germline.
Comment: This variant was observed in the ICSL laboratory as part of a predisposition screen in an ostensibly healthy population. It had not been previously curated by ICSL or reported in the Human Gene Mutation Database (HGMD: prior to June 1st, 2018), and was therefore a candidate for classification through an automated scoring system. Utilizing variant allele frequency, disease prevalence and penetrance estimates, and inheritance mode, an automated score was calculated to assess if this variant is too frequent to cause the disease. Based on the score and internal cut-off values, a variant classified as benign is not then subjected to further curation. The score for this variant resulted in a classification of benign for this disease.

Eurofins Ntd Llc (ga)
Classification: Benign. Last evaluated: 2013-09-18. Review status: criteria provided, single submitter. Criteria: EGL Classification Definitions 2015. Collection method: clinical testing. Allele origin: germline. Observed: 51 variant alleles, 35 heterozygotes, 16 homozygotes.

Breakthrough Genomics
Classification: Benign. Review status: criteria provided, single submitter. Criteria: ACMG Guidelines, 2015. Collection method: not provided. Allele origin: germline. Inheritance: Autosomal recessive inheritance. Affected: yes.

PreventionGenetics, part of Exact Sciences
Classification: Benign. Review status: criteria provided, single submitter. Criteria: ACMG Guidelines, 2015. Collection method: clinical testing. Allele origin: germline.

Dr. Peter K. Rogan Lab, Western University
No classification provided (evidence only). Condition: Hepatocellular carcinoma. Review status: no classification provided. Collection method: in vitro. Allele origin: not applicable. Functional consequence: retained intron. Not counted in ClinVar's aggregate classification.

Dr. Peter K. Rogan Lab, Western University
No classification provided (evidence only). Condition: Uterine carcinosarcoma. Review status: no classification provided. Collection method: in vitro. Allele origin: not applicable. Functional consequence: retained intron. Not counted in ClinVar's aggregate classification.

NM_001918.5(DBT):c.1210-9A>T

Gene: DBT (dihydrolipoamide branched chain transacylase E2; minus strand). Cytogenetic location: 1p21.2.
Variant type: single nucleotide variant.
Coding change: c.1210-9A>T on transcript NM_001918.5 (MANE Select); 9 bases into the intron before coding-DNA position 1210, A replaced by T.
Molecular consequence: intron variant.
Genome position (GRCh38, 1-based): chr1:100,206,310, T>A on the plus strand (A>T on the coding strand, the complement: DBT is on the minus strand). VCF-style: chr1-100206310-T-A. GRCh37 (hg19) VCF-style: chr1-100671866-T-A.
Other names: p.?; c.1210-9A>T (NM_001918.4).
Identifiers: ClinVar variation 93987 (VCV000093987.22), dbSNP rs34229137, ClinGen allele CA285508.